The following is an entry in ClinVar:

ClinVar aggregate classification (germline): Likely pathogenic (1 of 4 stars; one submission).

Submission:

Labcorp Genetics (formerly Invitae), Labcorp
Classification: Likely pathogenic. Last evaluated: 2022-10-13. Review status: criteria provided, single submitter. Criteria: Invitae Variant Classification Sherloc (09022015). Collection method: clinical testing. Allele origin: germline.
Comment: This sequence change replaces glycine, which is neutral and non-polar, with arginine, which is basic and polar, at codon 852 of the COL4A5 protein (p.Gly852Arg). This variant is not present in population databases (gnomAD no frequency). This missense change has been observed in individual(s) with Alport syndrome (PMID: 8893151). Advanced modeling of protein sequence and biophysical properties (such as structural, functional, and spatial information, amino acid conservation, physicochemical variation, residue mobility, and thermodynamic stability) performed at Invitae indicates that this missense variant is expected to disrupt COL4A5 protein function. This variant disrupts the p.Gly852 amino acid residue in COL4A5. Other variant(s) that disrupt this residue have been observed in individuals with COL4A5-related conditions (PMID: 10094548, 14993485), which suggests that this may be a clinically significant amino acid residue. In summary, the currently available evidence indicates that the variant is pathogenic, but additional data are needed to prove that conclusively. Therefore, this variant has been classified as Likely Pathogenic.

Literature cited by the submitters: PubMed 8893151; PubMed 10094548; PubMed 14993485.

NM_033380.3(COL4A5):c.2554G>A (p.Gly852Arg)

Gene: COL4A5 (collagen type IV alpha 5 chain; plus strand). Cytogenetic location: Xq22.3.
Variant type: single nucleotide variant.
Coding change: c.2554G>A on transcript NM_033380.3 (MANE Select); coding-DNA position 2554, G replaced by A.
Protein change: p.Gly852Arg; replaces glycine 852 with arginine.
Molecular consequence: missense variant.
Genome position (GRCh38, 1-based): chrX:108,620,303, G>A. VCF-style: chrX-108620303-G-A. GRCh37 (hg19) VCF-style: chrX-107863533-G-A.
Other names: c.2554G>A, p.Gly852Arg (NM_000495.5); short protein forms G852R.
Identifiers: ClinVar variation 2138702 (VCV002138702.1), dbSNP rs104886186, ClinGen allele CA258707.